The following is an entry in ClinVar:

NC_000006.11:g.(?_129823784)_(129837492_?)del

Gene: LAMA2 (laminin subunit alpha 2; plus strand). Cytogenetic location: 6q22.33.
Variant type: Deletion.
Identifiers: ClinVar variation 3246064 (VCV003246064.1).

ClinVar aggregate classification (germline): Pathogenic (1 of 4 stars; one submission).

Conditions:
LAMA2-related muscular dystrophy (LAMA2-RD). Also called: Laminin alpha 2-related dystrophy. Identifiers: MedGen C5679788, MONDO:0100228.

Submission:

Labcorp Genetics (formerly Invitae), Labcorp
Classification: Pathogenic for LAMA2-related muscular dystrophy. Last evaluated: 2023-05-23. Review status: criteria provided, single submitter. Criteria: Invitae Variant Classification Sherloc (09022015). Collection method: clinical testing. Allele origin: unknown.
Comment: This variant disrupts a region of the LAMA2 protein in which other variant(s) (p.Gly2889Arg) have been determined to be pathogenic (PMID: 16770791, 27234031, 29707938). This suggests that this is a clinically significant region of the protein, and that variants that disrupt it are likely to be disease-causing. This variant is a gross deletion of the genomic region encompassing exon(s) 59-65 of the LAMA2 gene, which includes the termination codon. This deletion extends beyond the assayed region for this gene and therefore may encompass additional genes. While this deletion is not anticipated to lead to nonsense mediated decay, it is expected to alter mRNA translation or result in a truncated protein product. This variant has not been reported in the literature in individuals affected with LAMA2-related conditions. For these reasons, this variant has been classified as Pathogenic.

Literature cited by the submitters: PubMed 16770791; PubMed 27234031; PubMed 29707938.